The following is an entry in ClinVar:

ClinVar aggregate classification (germline): Uncertain significance (1 of 4 stars; one submission).

gnomAD v4.1: 6 of 1,613,946 alleles (0.00037%); highest among the groups gnomAD compares: Non-Finnish European, 0.00051%; no homozygotes.

Submission:

Labcorp Genetics (formerly Invitae), Labcorp
Classification: Uncertain significance. Last evaluated: 2025-04-02. Review status: criteria provided, single submitter. Criteria: Invitae Variant Classification Sherloc (09022015). Collection method: clinical testing. Allele origin: germline.
Comment: This sequence change creates a premature translational stop signal (p.Arg1079*) in the HMCN1 gene. It is expected to result in an absent or disrupted protein product. However, the current clinical and genetic evidence is not sufficient to establish whether loss-of-function variants in HMCN1 cause disease. This variant is present in population databases (rs768343794, gnomAD 0.0009%). This variant has not been reported in the literature in individuals affected with HMCN1-related conditions. Algorithms developed to predict the effect of sequence changes on RNA splicing suggest that this variant may disrupt the consensus splice site. In summary, the available evidence is currently insufficient to determine the role of this variant in disease. Therefore, it has been classified as a Variant of Uncertain Significance.

NM_031935.3(HMCN1):c.3235C>T (p.Arg1079Ter)

Gene: HMCN1 (hemicentin 1; plus strand). Cytogenetic location: 1q31.1.
Variant type: single nucleotide variant.
Coding change: c.3235C>T on transcript NM_031935.3 (MANE Select); coding-DNA position 3235, C replaced by T.
Protein change: p.Arg1079Ter; replaces arginine 1079 with a stop codon.
Molecular consequence: nonsense.
Genome position (GRCh38, 1-based): chr1:185,990,301, C>T. VCF-style: chr1-185990301-C-T. GRCh37 (hg19) VCF-style: chr1-185959433-C-T.
Other names: short protein forms R1079*.
Identifiers: ClinVar variation 4772327 (VCV004772327.1).